The following is an entry in ClinVar:

ClinVar aggregate classification (germline): Conflicting classifications of pathogenicity. Review status: criteria provided, conflicting classifications (1 of 4 stars). 3 submissions from 3 submitters: Uncertain significance (1); Likely benign (1). 1 of the submissions does not count toward it. Last evaluated 2023-03-23.

Conditions:
Hereditary breast ovarian cancer syndrome. Also called: Hereditary breast and ovarian cancer syndrome; Hereditary breast and ovarian cancer; Hereditary breast and ovarian cancer syndrome (HBOC); Breast and ovarian cancer; Hereditary breast and/or ovarian cancer syndrome; BRCA1- and BRCA2-Associated Hereditary Breast and Ovarian Cancer. Identifiers: Orphanet 145, MedGen C0677776, MeSH D061325, MONDO:0003582. Disease mechanism: loss of function.
Hereditary cancer-predisposing syndrome. Also called: Neoplastic Syndromes, Hereditary; Tumor predisposition; Hereditary neoplastic syndrome; Hereditary Cancer Syndrome. Identifiers: Orphanet 140162, MedGen C0027672, MeSH D009386, MONDO:0015356.
Breast-ovarian cancer, familial, susceptibility to, 2 (BROVCA2). Also called: BRCA2 Hereditary Breast and Ovarian Cancer. Identifiers: Orphanet 145, MedGen C2675520, MONDO:0012933, OMIM 612555. Disease mechanism: loss of function.

Allele frequency attached by ClinVar (database versions not stated): gnomAD below 0.00001 and 0.00001; gnomAD exomes below 0.00001; ExAC 0.00001.
gnomAD v4.1: 1 of 1,603,358 alleles (0.000062%); highest among the groups gnomAD compares: South Asian, 0.0011%; no homozygotes.

Submissions (3):

University of Washington Department of Laboratory Medicine, University of Washington
Classification: Likely benign for Hereditary cancer-predisposing syndrome. Last evaluated: 2023-03-23. Review status: criteria provided, single submitter. Criteria: Dines et al. (Genet Med. 2020). Collection method: curation. Allele origin: germline.
Comment: Missense variant in a coldspot region where missense variants are very unlikely to be pathogenic (PMID:31911673).

BRCA2 exon 11 coldspot. Reclassification based on statistical prior probability.

Labcorp Genetics (formerly Invitae), Labcorp
Classification: Uncertain significance for Hereditary breast ovarian cancer syndrome. Last evaluated: 2020-08-25. Review status: criteria provided, single submitter. Criteria: Invitae Variant Classification Sherloc (09022015). Collection method: clinical testing. Allele origin: germline.
Comment: This sequence change replaces alanine with proline at codon 1652 of the BRCA2 protein (p.Ala1652Pro). The alanine residue is weakly conserved and there is a small physicochemical difference between alanine and proline. In summary, the available evidence is currently insufficient to determine the role of this variant in disease. Therefore, it has been classified as a Variant of Uncertain Significance. Algorithms developed to predict the effect of missense changes on protein structure and function (SIFT, PolyPhen-2, Align-GVGD) all suggest that this variant is likely to be tolerated, but these predictions have not been confirmed by published functional studies and their clinical significance is uncertain. This variant has not been reported in the literature in individuals with BRCA2-related disease. ClinVar contains an entry for this variant (Variation ID: 51749). This variant is present in population databases (rs80358720, ExAC 0.006%).

Breast Cancer Information Core (BIC) (BRCA2)
Classification: Uncertain significance for Breast-ovarian cancer, familial 2. Last evaluated: 2004-02-20. Review status: no assertion criteria provided. Collection method: clinical testing. Allele origin: germline. Affected: yes. Observed: 1 variant allele. Not counted in ClinVar's aggregate classification.

NM_000059.4(BRCA2):c.4954G>C (p.Ala1652Pro)

Gene: BRCA2 (BRCA2 DNA repair associated; plus strand). Cytogenetic location: 13q13.1.
Variant type: single nucleotide variant.
Coding change: c.4954G>C on transcript NM_000059.4 (MANE Select); coding-DNA position 4954, G replaced by C.
Protein change: p.Ala1652Pro; replaces alanine 1652 with proline.
Molecular consequence: missense variant.
Genome position (GRCh38, 1-based): chr13:32,339,309, G>C. VCF-style: chr13-32339309-G-C. GRCh37 (hg19) VCF-style: chr13-32913446-G-C.
Other names: short protein forms A1652P.
Identifiers: ClinVar variation 51749 (VCV000051749.12), dbSNP rs80358720, ClinGen allele CA021057.